The following is an entry in ClinVar:

ClinVar aggregate classification (germline): Benign/Likely benign. Review status: criteria provided, multiple submitters, no conflicts (2 of 4 stars). 24 submissions from 17 submitters: Benign (16); Likely benign (5). 3 of the submissions do not count toward it. Last evaluated 2026-02-03.

Conditions:
Dilated cardiomyopathy 1G (CMD1G). Identifiers: Orphanet 154, MedGen C1858763, MONDO:0011400, OMIM 604145.
Autosomal recessive limb-girdle muscular dystrophy type 2J (LGMDR10). Also called: MUSCULAR DYSTROPHY, LIMB-GIRDLE, AUTOSOMAL RECESSIVE 10; Limb-girdle muscular dystrophy, type 2J. Identifiers: Orphanet 140922, MedGen C1837342, MONDO:0012127, OMIM 608807.
Cardiovascular phenotype. Identifiers: MedGen CN230736.
Cardiomyopathy (CMYO). Also called: Cardiomyopathies. Identifiers: Orphanet 167848, MedGen C0878544, MONDO:0004994, HP:0001638. Inheritance: Various modes of inheritance.
Early-onset myopathy with fatal cardiomyopathy (CMYO5). Also called: CONGENITAL MYOPATHY 5 WITH CARDIOMYOPATHY; Salih Myopathy. Identifiers: Orphanet 289377, MedGen C2673677, MONDO:0012714, OMIM 611705. Disease mechanism: loss of function.
Myopathy, myofibrillar, 9, with early respiratory failure (MFM9). Also called: Myopathy, distal, with early respiratory failure, autosomal dominant; Hereditary myopathy with early respiratory failure; MYOPATHY, PROXIMAL, WITH EARLY RESPIRATORY MUSCLE INVOLVEMENT; EDSTROM MYOPATHY. Identifiers: Orphanet 178464, Orphanet 34521, MedGen C1863599, MONDO:0011362, OMIM 603689.
Tibial muscular dystrophy (TMD). Also called: Udd Distal Myopathy – Tibial Muscular Dystrophy; Tibial muscular dystrophy, tardive; UDD MYOPATHY. Identifiers: Orphanet 609, MedGen C1838244, MONDO:0010870, OMIM 600334.

Allele frequency attached by ClinVar (database versions not stated): gnomAD exomes 0.00229 and 0.00090; 1000 Genomes Project 30x 0.00874; ESP Exome Variant Server 0.00876; TOPMed 0.01032; ExAC 0.00280; 1000 Genomes Project 0.00839; gnomAD 0.00905 and 0.00966.
gnomAD v4.1: 2,758 of 1,613,744 alleles (0.17%); highest among the groups gnomAD compares: African/African-American, 3%; 31 homozygotes.

Submissions (24):

Labcorp Genetics (formerly Invitae), Labcorp
Classification: Benign for Dilated cardiomyopathy 1G; Autosomal recessive limb-girdle muscular dystrophy type 2J. Last evaluated: 2026-02-03. Review status: criteria provided, single submitter. Criteria: Invitae Variant Classification Sherloc (09022015). Collection method: clinical testing. Allele origin: germline.

Molecular Diagnostic Laboratory for Inherited Cardiovascular Disease, Montreal Heart Institute
Classification: Benign. Last evaluated: 2025-04-09. Review status: criteria provided, single submitter. Criteria: ACMG Guidelines, 2015. Collection method: clinical testing. Allele origin: germline. Affected: no.

Athena Diagnostics
Classification: Benign. Last evaluated: 2025-03-24. Review status: criteria provided, single submitter. Criteria: Athena Diagnostics Criteria. Collection method: clinical testing. Allele origin: unknown.
Comment: The frequency of this variant in the general population is higher than would generally be expected for pathogenic variants in this gene.

ARUP Laboratories, Molecular Genetics and Genomics, ARUP Laboratories
Classification: Benign. Last evaluated: 2024-12-19. Review status: criteria provided, single submitter. Criteria: ARUP Molecular Germline Variant Investigation Process 2024. Collection method: clinical testing. Allele origin: germline.

Blueprint Genetics
Classification: Likely benign. Last evaluated: 2024-10-29. Review status: criteria provided, single submitter. Criteria: ACMG Guidelines, 2015. Collection method: clinical testing. Allele origin: germline.

Mayo Clinic Laboratories, Mayo Clinic
Classification: Benign. Last evaluated: 2022-03-23. Review status: criteria provided, single submitter. Criteria: ACMG Guidelines, 2015. Collection method: clinical testing. Allele origin: germline. Observed: 17 variant alleles.
Comment: BS1, BS2, BP4, BP7

Genome-Nilou Lab
Classification: Benign for Autosomal recessive limb-girdle muscular dystrophy type 2J. Last evaluated: 2021-09-10. Review status: criteria provided, single submitter. Criteria: ACMG Guidelines, 2015. Collection method: clinical testing. Allele origin: germline. Affected: no.

Genome-Nilou Lab
Classification: Benign for Myopathy, myofibrillar, 9, with early respiratory failure. Last evaluated: 2021-09-10. Review status: criteria provided, single submitter. Criteria: ACMG Guidelines, 2015. Collection method: clinical testing. Allele origin: germline. Affected: no.

Genome-Nilou Lab
Classification: Benign for Early-onset myopathy with fatal cardiomyopathy. Last evaluated: 2021-09-10. Review status: criteria provided, single submitter. Criteria: ACMG Guidelines, 2015. Collection method: clinical testing. Allele origin: germline. Affected: no.

Genome-Nilou Lab
Classification: Benign for Tibial muscular dystrophy. Last evaluated: 2021-09-10. Review status: criteria provided, single submitter. Criteria: ACMG Guidelines, 2015. Collection method: clinical testing. Allele origin: germline. Affected: no.

Women's Health and Genetics/Laboratory Corporation of America, LabCorp
Classification: Benign. Last evaluated: 2019-08-19. Review status: criteria provided, single submitter. Criteria: LabCorp Variant Classification Summary - May 2015. Collection method: clinical testing. Allele origin: germline.

Illumina Laboratory Services, Illumina
Classification: Likely benign for Autosomal recessive limb-girdle muscular dystrophy type 2J. Last evaluated: 2018-01-13. Review status: criteria provided, single submitter. Criteria: ICSL Variant Classification Criteria 13 December 2019. Collection method: clinical testing. Allele origin: germline.
Comment: This variant was observed in the ICSL laboratory as part of a predisposition screen in an ostensibly healthy population. It had not been previously curated by ICSL or reported in the Human Gene Mutation Database (HGMD: prior to June 1st, 2018), and was therefore a candidate for classification through an automated scoring system. Utilizing variant allele frequency, disease prevalence and penetrance estimates, and inheritance mode, an automated score was calculated to assess if this variant is too frequent to cause the disease. Based on the score and internal cut-off values, a variant classified as likely benign is not then subjected to further curation. The score for this variant resulted in a classification of likely benign for this disease.

Illumina Laboratory Services, Illumina
Classification: Benign for Tibial muscular dystrophy. Last evaluated: 2018-01-13. Review status: criteria provided, single submitter. Criteria: ICSL Variant Classification Criteria 13 December 2019. Collection method: clinical testing. Allele origin: germline.
Comment: This variant was observed in the ICSL laboratory as part of a predisposition screen in an ostensibly healthy population. It had not been previously curated by ICSL or reported in the Human Gene Mutation Database (HGMD: prior to June 1st, 2018), and was therefore a candidate for classification through an automated scoring system. Utilizing variant allele frequency, disease prevalence and penetrance estimates, and inheritance mode, an automated score was calculated to assess if this variant is too frequent to cause the disease. Based on the score and internal cut-off values, a variant classified as benign is not then subjected to further curation. The score for this variant resulted in a classification of benign for this disease.

Illumina Laboratory Services, Illumina
Classification: Likely benign for Early-onset myopathy with fatal cardiomyopathy. Last evaluated: 2018-01-13. Review status: criteria provided, single submitter. Criteria: ICSL Variant Classification Criteria 13 December 2019. Collection method: clinical testing. Allele origin: germline.
Comment: the same text as in the submission from Illumina Laboratory Services, Illumina above.

Illumina Laboratory Services, Illumina
Classification: Benign for Myopathy, myofibrillar, 9, with early respiratory failure. Last evaluated: 2018-01-13. Review status: criteria provided, single submitter. Criteria: ICSL Variant Classification Criteria 13 December 2019. Collection method: clinical testing. Allele origin: germline.
Comment: the same text as in the submission from Illumina Laboratory Services, Illumina above.

Illumina Laboratory Services, Illumina
Classification: Likely benign for Dilated cardiomyopathy 1G. Last evaluated: 2018-01-13. Review status: criteria provided, single submitter. Criteria: ICSL Variant Classification Criteria 13 December 2019. Collection method: clinical testing. Allele origin: germline.
Comment: the same text as in the submission from Illumina Laboratory Services, Illumina above.

CHEO Genetics Diagnostic Laboratory, Children's Hospital of Eastern Ontario
Classification: Benign for Cardiomyopathy. Last evaluated: 2016-07-25. Review status: criteria provided, single submitter. Criteria: ACMG Guidelines, 2015. Collection method: clinical testing. Allele origin: germline. Study: Canadian Open Genetics Repository.

GeneDx
Classification: Benign. Last evaluated: 2014-03-07. Review status: criteria provided, single submitter. Criteria: GeneDx Variant Classification (06012015). Collection method: clinical testing. Allele origin: germline. Affected: yes.
Comment: This variant is considered likely benign or benign based on one or more of the following criteria: it is a conservative change, it occurs at a poorly conserved position in the protein, it is predicted to be benign by multiple in silico algorithms, and/or has population frequency not consistent with disease.

Ambry Genetics
Classification: Benign for Cardiovascular phenotype. Last evaluated: 2013-04-16. Review status: criteria provided, single submitter. Criteria: Ambry Autosomal Dominant and X-Linked criteria (10/2015). Collection method: clinical testing. Allele origin: germline. Observed: 1 variant allele.

Laboratory for Molecular Medicine, Mass General Brigham Personalized Medicine
Classification: Benign. Last evaluated: 2012-07-18. Review status: criteria provided, single submitter. Criteria: LMM Criteria. Collection method: clinical testing. Allele origin: germline. Observed: 13 variant alleles.
Comment: Thr24957Thr in Exon 275 of TTN: This variant is not expected to have clinical si gnificance because it does not alter an amino acid residue, is not located withi n the splice consensus sequence and has been identified in 2.6% (105/3996) of Af rican American chromosomes from a broad population by the NHLBI Exome Sequencing Project (dbSNP rs11896779).

Breakthrough Genomics
Classification: Likely benign. Review status: criteria provided, single submitter. Criteria: ACMG Guidelines, 2015. Collection method: not provided. Allele origin: germline. Inheritance: Autosomal recessive inheritance. Affected: yes.

Clinical Genetics DNA and cytogenetics Diagnostics Lab, Erasmus MC, Erasmus Medical Center
Classification: Benign. Review status: no assertion criteria provided. Collection method: clinical testing. Allele origin: germline. Affected: yes. Study: VKGL Data-share Consensus. Not counted in ClinVar's aggregate classification.

Clinical Genetics, Academic Medical Center
Classification: Benign. Review status: no assertion criteria provided. Collection method: clinical testing. Allele origin: germline. Affected: yes. Study: VKGL Data-share Consensus. Not counted in ClinVar's aggregate classification.

Joint Genome Diagnostic Labs from Nijmegen and Maastricht, Radboudumc and MUMC+
Classification: Benign. Review status: no assertion criteria provided. Collection method: clinical testing. Allele origin: germline. Affected: yes. Study: VKGL Data-share Consensus. Not counted in ClinVar's aggregate classification.

NM_001267550.2(TTN):c.82575G>A (p.Thr27525=)

Genes: TTN (titin; minus strand), TTN-AS1 (TTN antisense RNA 1; plus strand). Cytogenetic location: 2q31.2.
Variant type: single nucleotide variant.
Coding change: c.82575G>A on transcript NM_001267550.2 (MANE Select); coding-DNA position 82575, G replaced by A.
Protein change: p.Thr27525=; no amino-acid change (threonine 27525 retained).
Molecular consequence: synonymous variant.
Genome position (GRCh38, 1-based): chr2:178,563,557, C>T on the plus strand (G>A on the coding strand, the complement: TTN is on the minus strand). VCF-style: chr2-178563557-C-T. GRCh37 (hg19) VCF-style: chr2-179428284-C-T.
Other names: p.T25884T:ACG>ACA; p.Thr24957=; c.77652G>A, p.Thr25884= (NM_001256850.1); c.55380G>A, p.Thr18460= (NM_003319.4); c.74871G>A, p.Thr24957= (NM_133378.4); c.55755G>A, p.Thr18585= (NM_133432.3); c.55956G>A, p.Thr18652= (NM_133437.4).
Identifiers: ClinVar variation 47415 (VCV000047415.44), dbSNP rs11896779, ClinGen allele CA283904.